The following is an entry in ClinVar:

ClinVar aggregate classification (germline): Uncertain significance (1 of 4 stars; one submission).

Conditions:
Dyskeratosis congenita. Identifiers: Orphanet 1775, MedGen C0265965, MONDO:0015780.

gnomAD v4.1: 3 of 1,614,046 alleles (0.00019%); highest among the groups gnomAD compares: Non-Finnish European, 0.00025%; no homozygotes.

Submission:

Labcorp Genetics (formerly Invitae), Labcorp
Classification: Uncertain significance for Dyskeratosis congenita. Last evaluated: 2019-07-08. Review status: criteria provided, single submitter. Criteria: Invitae Variant Classification Sherloc (09022015). Collection method: clinical testing. Allele origin: germline.
Comment: In summary, the available evidence is currently insufficient to determine the role of this variant in disease. Therefore, it has been classified as a Variant of Uncertain Significance. Algorithms developed to predict the effect of missense changes on protein structure and function are either unavailable or do not agree on the potential impact of this missense change (SIFT: "Deleterious"; PolyPhen-2: "Possibly Damaging"; Align-GVGD: "Class C0"). This variant has not been reported in the literature in individuals with CTC1-related conditions. This variant is not present in population databases (ExAC no frequency). This sequence change replaces valine with leucine at codon 263 of the CTC1 protein (p.Val263Leu). The valine residue is highly conserved and there is a small physicochemical difference between valine and leucine.

NM_025099.6(CTC1):c.787G>C (p.Val263Leu)

Gene: CTC1 (CST telomere replication complex component 1; minus strand). Cytogenetic location: 17p13.1.
Variant type: single nucleotide variant.
Coding change: c.787G>C on transcript NM_025099.6 (MANE Select); coding-DNA position 787, G replaced by C.
Protein change: p.Val263Leu; replaces valine 263 with leucine.
Molecular consequence: missense variant. On other transcripts: non-coding transcript variant (1).
Genome position (GRCh38, 1-based): chr17:8,237,380, C>G on the plus strand (G>C on the coding strand, the complement: CTC1 is on the minus strand). VCF-style: chr17-8237380-C-G. GRCh37 (hg19) VCF-style: chr17-8140698-C-G.
Other names: short protein forms V263L.
Identifiers: ClinVar variation 963930 (VCV000963930.9), dbSNP rs1010062693, ClinGen allele CA397989460.